The following is an entry in ClinVar:

ClinVar aggregate classification (germline): Benign (1 of 4 stars; one submission).

Submission:

Unidad de Genómica Garrahan, Hospital de Pediatría Garrahan
Classification: Benign. Last evaluated: 2024-01-24. Review status: criteria provided, single submitter. Criteria: ACMG Guidelines, 2015. Collection method: clinical testing. Allele origin: germline. Affected: no. Observed: 21 variant alleles.
Comment: This variant is classified as Benign based on local population frequency. This variant was detected in 22% of patients studied by a panel of primary immunodeficiencies. Number of patients: 21. Only high quality variants are reported.

NM_015122.3(FCHO1):c.2093+94delinsTT

Gene: FCHO1 (FCH and mu domain containing endocytic adaptor 1; plus strand). Cytogenetic location: 19p13.11.
Variant type: Indel.
Coding change: c.2093+94delinsTT on transcript NM_015122.3 (MANE Select); 94 bases into the intron after coding-DNA position 2093, C replaced by TT.
Molecular consequence: intron variant.
Genome position (GRCh38, 1-based): chr19:17,783,266, C replaced by TT. VCF-style: chr19-17783266-C-TT. GRCh37 (hg19) VCF-style: chr19-17894075-C-TT.
Other names: c.1943+94delinsTT (NM_001384386.1, NM_001161359.2, NM_001384384.1 and 1 more transcripts); c.2093+94delinsTT (NM_001384381.1, NM_001384370.1, NM_001384376.1 and 13 more transcripts); c.1976+94delinsTT (NM_001384392.1, NM_001384395.1, NM_001384393.1 and 1 more transcripts); c.1817+94delinsTT (NM_001384402.1, NM_001384396.1, NM_001384404.1 and 5 more transcripts); c.2018+94delinsTT (NM_001384390.1); c.1667+94delinsTT (NM_001384406.1); c.1523+94delinsTT (NM_001384407.1); c.1772+94delinsTT (NM_001384403.1); and 1 more.
Identifiers: ClinVar variation 2688322 (VCV002688322.2), dbSNP rs2514169510, ClinGen allele CA2697556386.